The following is an entry in ClinVar:

NM_000059.4(BRCA2):c.5614A>G (p.Lys1872Glu)

Gene: BRCA2 (BRCA2 DNA repair associated; plus strand). Cytogenetic location: 13q13.1.
Variant type: single nucleotide variant.
Coding change: c.5614A>G on transcript NM_000059.4 (MANE Select); coding-DNA position 5614, A replaced by G.
Protein change: p.Lys1872Glu; replaces lysine 1872 with glutamic acid.
Molecular consequence: missense variant. On other transcripts: intron variant (2), non-coding transcript variant (1).
Genome position (GRCh38, 1-based): chr13:32,339,969, A>G. VCF-style: chr13-32339969-A-G. GRCh37 (hg19) VCF-style: chr13-32914106-A-G.
Other names: c.425-4589A>G (NM_001406722.1); c.5614A>G, p.Lys1872Glu (NM_001406719.1, NM_001406720.1); c.1910-4589A>G (NM_001406721.1); short protein forms K1872E.
Identifiers: ClinVar variation 2451559 (VCV002451559.2), dbSNP rs80358783, ClinGen allele CA387786093.
Genomic context (GRCh38, chr13:32,339,969, plus strand): 5'-GTTTGTGTTTCACATGAAACAATTAAAAAAGTGAAAGACATATTTACAGACAGTTTCAGT[A>G]AAGTAATTAAGGAAAACAACGAGAATAAATCAAAAATTTGCCAAACGAAAATTATGGCAG-3'
Protein context (NP_000050.3, residues 1862-1882): VKDIFTDSFS[Lys1872Glu]VIKENNENKS

ClinVar aggregate classification (germline): Uncertain significance (1 of 4 stars; one submission).

Conditions:
Hereditary cancer-predisposing syndrome. Also called: Neoplastic Syndromes, Hereditary; Tumor predisposition; Hereditary neoplastic syndrome; Hereditary Cancer Syndrome. Identifiers: Orphanet 140162, MedGen C0027672, MeSH D009386, MONDO:0015356.

Submission:

Ambry Genetics
Classification: Uncertain significance for Hereditary cancer-predisposing syndrome. Last evaluated: 2023-02-09. Review status: criteria provided, single submitter. Criteria: Ambry Variant Classification Scheme 2023. Collection method: clinical testing. Allele origin: germline.
Comment: The p.K1872E variant (also known as c.5614A>G), located in coding exon 10 of the BRCA2 gene, results from an A to G substitution at nucleotide position 5614. The lysine at codon 1872 is replaced by glutamic acid, an amino acid with similar properties. This amino acid position is conserved. In addition, this alteration is predicted to be tolerated by in silico analysis. Since supporting evidence is limited at this time, the clinical significance of this alteration remains unclear.